The following is an entry in ClinVar:

ClinVar aggregate classification (germline): Uncertain significance (1 of 4 stars; one submission).

Conditions:
Inborn genetic diseases. Identifiers: MedGen C0950123, MeSH D030342.

Submission:

Ambry Genetics
Classification: Uncertain significance for Inborn genetic diseases. Last evaluated: 2025-06-13. Review status: criteria provided, single submitter. Criteria: Ambry Variant Classification Scheme 2023. Collection method: clinical testing. Allele origin: germline.
Comment: The p.Q106H variant (also known as c.318G>T), located in coding exon 3 of the SBDS gene, results from a G to T substitution at nucleotide position 318. The glutamine at codon 106 is replaced by histidine, an amino acid with highly similar properties. This amino acid position is conserved. In addition, the in silico prediction for this alteration is inconclusive. Based on the available evidence, the clinical significance of this variant remains unclear.

NM_016038.4(SBDS):c.318G>T (p.Gln106His)

Gene: SBDS (SBDS ribosome maturation factor; minus strand). Cytogenetic location: 7q11.21.
Variant type: single nucleotide variant.
Coding change: c.318G>T on transcript NM_016038.4 (MANE Select); coding-DNA position 318, G replaced by T.
Protein change: p.Gln106His; replaces glutamine 106 with histidine.
Molecular consequence: missense variant.
Genome position (GRCh38, 1-based): chr7:66,993,358, C>A on the plus strand (G>T on the coding strand, the complement: SBDS is on the minus strand). VCF-style: chr7-66993358-C-A. GRCh37 (hg19) VCF-style: chr7-66458345-C-A.
Other names: short protein forms Q106H.
Identifiers: ClinVar variation 3950342 (VCV003950342.1).